The following is an entry in ClinVar:

ClinVar aggregate classification (germline): Likely benign. Review status: criteria provided, multiple submitters, no conflicts (2 of 4 stars). 5 submissions from 5 submitters: Likely benign (5). Last evaluated 2025-11-29.

Conditions:
SH3TC2-related disorder. Also called: SH3TC2-related disorders; SH3TC2-related condition. Identifiers: MedGen CN239303.
Charcot-Marie-Tooth disease. Also called: Charcot-Marie-Tooth Neuropathy; Charcot-Marie-Tooth Hereditary Neuropathy. Identifiers: Orphanet 166, MedGen C0007959, MONDO:0015626.
Inborn genetic diseases. Identifiers: MedGen C0950123, MeSH D030342.
Charcot-Marie-Tooth disease type 4. Also called: Charcot-Marie-Tooth disease, type IV; Charcot-Marie-Tooth, Type 4. Identifiers: Orphanet 64749, MedGen C4082197, MONDO:0018995.

Allele frequency attached by ClinVar (database versions not stated): gnomAD exomes 0.00003 and 0.00012; ExAC 0.00014; gnomAD 0.00035 and 0.00038; TOPMed 0.00040; ESP Exome Variant Server 0.00046.
gnomAD v4.1: 101 of 1,614,022 alleles (0.0063%); highest among the groups gnomAD compares: African/African-American, 0.12%; no homozygotes.

Submissions (5):

Labcorp Genetics (formerly Invitae), Labcorp
Classification: Likely benign for Charcot-Marie-Tooth disease type 4. Last evaluated: 2025-11-29. Review status: criteria provided, single submitter. Criteria: Invitae Variant Classification Sherloc (09022015). Collection method: clinical testing. Allele origin: germline.

PreventionGenetics, part of Exact Sciences
Classification: Likely benign for SH3TC2-related condition. Last evaluated: 2025-05-02. Review status: criteria provided, single submitter. Criteria: ACMG Guidelines, 2015. Collection method: clinical testing. Allele origin: germline.
Comment: This variant is classified as likely benign based on ACMG/AMP sequence variant interpretation guidelines (Richards et al. 2015 PMID: 25741868, with internal and published modifications).

Ambry Genetics
Classification: Likely benign for Inborn genetic diseases. Last evaluated: 2019-07-11. Review status: criteria provided, single submitter. Criteria: Ambry Variant Classification Scheme 2023. Collection method: clinical testing. Allele origin: germline.

GeneDx
Classification: Likely benign. Last evaluated: 2016-08-08. Review status: criteria provided, single submitter. Criteria: GeneDx Variant Classification (06012015). Collection method: clinical testing. Allele origin: germline. Affected: yes.
Comment: This variant is considered likely benign or benign based on one or more of the following criteria: it is a conservative change, it occurs at a poorly conserved position in the protein, it is predicted to be benign by multiple in silico algorithms, and/or has population frequency not consistent with disease.

Molecular Genetics Laboratory, London Health Sciences Centre
Classification: Likely benign for Charcot-Marie-Tooth disease. Review status: criteria provided, single submitter. Criteria: ACMG Guidelines, 2015. Collection method: clinical testing. Allele origin: germline. Affected: yes.

NM_024577.4(SH3TC2):c.2385C>T (p.Ser795=)

Gene: SH3TC2 (SH3 domain and tetratricopeptide repeats 2; minus strand). Cytogenetic location: 5q32.
Variant type: single nucleotide variant.
Coding change: c.2385C>T on transcript NM_024577.4 (MANE Select); coding-DNA position 2385, C replaced by T.
Protein change: p.Ser795=; no amino-acid change (serine 795 retained).
Molecular consequence: synonymous variant.
Genome position (GRCh38, 1-based): chr5:149,027,347, G>A on the plus strand (C>T on the coding strand, the complement: SH3TC2 is on the minus strand). VCF-style: chr5-149027347-G-A. GRCh37 (hg19) VCF-style: chr5-148406910-G-A.
Identifiers: ClinVar variation 387819 (VCV000387819.15), dbSNP rs145345364, ClinGen allele CA3499009.
Genomic context (GRCh38, chr5:149,027,347, plus strand): 5'-AGCCTTCTTGGCCTGGCTGGCTAAGAGATAGGCCCATGCCAGGCAGAGAGAAGACTCAAA[G>A]GATTCCTGCTCACCCAGCAGCTGCCCTAGCACCAAGGCCTGGCTCAGGTAGTGGATGGCA-3'
Protein context (NP_078853.2, residues 785-805): VLGQLLGEQE[Ser795=]FESSLCLAWA